The following is an entry in ClinVar:

NM_020778.5(ALPK3):c.1793C>A (p.Thr598Lys)

Gene: ALPK3 (alpha kinase 3; plus strand). Cytogenetic location: 15q25.3.
Variant type: single nucleotide variant.
Coding change: c.1793C>A on transcript NM_020778.5 (MANE Select); coding-DNA position 1793, C replaced by A.
Protein change: p.Thr598Lys; replaces threonine 598 with lysine.
Molecular consequence: missense variant.
Genome position (GRCh38, 1-based): chr15:84,856,531, C>A. VCF-style: chr15-84856531-C-A. GRCh37 (hg19) VCF-style: chr15-85399762-C-A.
Other names: short protein forms T598K.
Identifiers: ClinVar variation 4871277 (VCV004871277.1).

ClinVar aggregate classification (germline): Uncertain significance (1 of 4 stars; one submission).

Conditions:
Cardiovascular phenotype. Identifiers: MedGen CN230736.

gnomAD v4.1: 1 of 1,614,130 alleles (0.000062%); highest among the groups gnomAD compares: Non-Finnish European, 0.000085%; no homozygotes.

Submission:

Ambry Genetics
Classification: Uncertain significance for Cardiovascular phenotype. Last evaluated: 2026-05-14. Review status: criteria provided, single submitter. Criteria: Ambry Variant Classification Scheme 2023. Collection method: clinical testing. Allele origin: germline.
Comment: The p.T800K variant (also known as c.2399C>A), located in coding exon 6 of the ALPK3 gene, results from a C to A substitution at nucleotide position 2399. The threonine at codon 800 is replaced by lysine, an amino acid with similar properties. This amino acid position is conserved. In addition, this alteration is predicted to be tolerated by in silico analysis. Based on the available evidence, the clinical significance of this variant remains unclear.